The following is an entry in ClinVar:

ClinVar aggregate classification (germline): Uncertain significance (1 of 4 stars; one submission).

Conditions:
Regional enteritis. Also called: Enteritis, Granulomatous. Identifiers: MedGen C0678202, MeSH D003424.
Blau syndrome (BLAUS). Also called: ARTHROCUTANEOUVEAL GRANULOMATOSIS; GRANULOMATOSIS, FAMILIAL JUVENILE SYSTEMIC; GRANULOMATOSIS, FAMILIAL, BLAU TYPE; GRANULOMATOUS INFLAMMATORY ARTHRITIS, DERMATITIS, AND UVEITIS, FAMILIAL; JABS SYNDROME. Identifiers: Orphanet 90340, MedGen C5201146, MONDO:0008523, OMIM 186580.

Submission:

Labcorp Genetics (formerly Invitae), Labcorp
Classification: Uncertain significance for Regional enteritis; Blau syndrome. Last evaluated: 2023-06-15. Review status: criteria provided, single submitter. Criteria: Invitae Variant Classification Sherloc (09022015). Collection method: clinical testing. Allele origin: germline.
Comment: In summary, the available evidence is currently insufficient to determine the role of this variant in disease. Therefore, it has been classified as a Variant of Uncertain Significance. Advanced modeling of protein sequence and biophysical properties (such as structural, functional, and spatial information, amino acid conservation, physicochemical variation, residue mobility, and thermodynamic stability) performed at Invitae indicates that this missense variant is not expected to disrupt NOD2 protein function. This variant has not been reported in the literature in individuals affected with NOD2-related conditions. This variant is not present in population databases (gnomAD no frequency). This sequence change replaces glycine, which is neutral and non-polar, with arginine, which is basic and polar, at codon 504 of the NOD2 protein (p.Gly504Arg).

NM_001370466.1(NOD2):c.1429G>A (p.Gly477Arg)

Gene: NOD2 (nucleotide binding oligomerization domain containing 2; plus strand). Cytogenetic location: 16q12.1.
Variant type: single nucleotide variant.
Coding change: c.1429G>A on transcript NM_001370466.1 (MANE Select); coding-DNA position 1429, G replaced by A.
Protein change: p.Gly477Arg; replaces glycine 477 with arginine.
Molecular consequence: missense variant. On other transcripts: non-coding transcript variant (1).
Genome position (GRCh38, 1-based): chr16:50,711,421, G>A. VCF-style: chr16-50711421-G-A. GRCh37 (hg19) VCF-style: chr16-50745332-G-A.
Other names: c.1429G>A, p.Gly477Arg (NM_001293557.2); c.1510G>A, p.Gly504Arg (NM_022162.3); short protein forms G477R, G504R.
Identifiers: ClinVar variation 2948891 (VCV002948891.3), dbSNP rs769745923, ClinGen allele CA395869079.